The following is an entry in ClinVar:

NM_006946.4(SPTBN2):c.5635G>A (p.Gly1879Ser)

Gene: SPTBN2 (spectrin beta, non-erythrocytic 2; minus strand). Cytogenetic location: 11q13.2.
Variant type: single nucleotide variant.
Coding change: c.5635G>A on transcript NM_006946.4 (MANE Select); coding-DNA position 5635, G replaced by A.
Protein change: p.Gly1879Ser; replaces glycine 1879 with serine.
Molecular consequence: missense variant.
Genome position (GRCh38, 1-based): chr11:66,690,214, C>T on the plus strand (G>A on the coding strand, the complement: SPTBN2 is on the minus strand). VCF-style: chr11-66690214-C-T. GRCh37 (hg19) VCF-style: chr11-66457685-C-T.
Other names: c.5656G>A, p.Gly1886Ser (NM_001411025.1); short protein forms G1879S, G1886S.
Identifiers: ClinVar variation 2205360 (VCV002205360.6), dbSNP rs1016461653, ClinGen allele CA224078474.

ClinVar aggregate classification (germline): Uncertain significance. Review status: criteria provided, multiple submitters, no conflicts (2 of 4 stars). 4 submissions from 4 submitters: Uncertain significance (4). Last evaluated 2025-08-05.

Conditions:
Inborn genetic diseases. Identifiers: MedGen C0950123, MeSH D030342.

Allele frequency attached by ClinVar (database versions not stated): gnomAD exomes 0.00001; TOPMed 0.00002; gnomAD 0.00003.
gnomAD v4.1: 23 of 1,613,596 alleles (0.0014%); highest among the groups gnomAD compares: African/African-American, 0.004%; no homozygotes.

Submissions (4):

Athena Diagnostics
Classification: Uncertain significance. Last evaluated: 2025-08-05. Review status: criteria provided, single submitter. Criteria: Athena Diagnostics Criteria. Collection method: clinical testing. Allele origin: unknown.
Comment: Available data are insufficient to determine the clinical significance of the variant at this time. The frequency of this variant in the general population is uninformative in assessment of its pathogenicity. Polyphen and MutationTaster predict this amino acid change may be benign.

GeneDx
Classification: Uncertain significance. Last evaluated: 2022-12-29. Review status: criteria provided, single submitter. Criteria: GeneDx Variant Classification Process June 2021. Collection method: clinical testing. Allele origin: germline. Affected: yes.
Comment: Not observed at significant frequency in large population cohorts (gnomAD); In silico analysis supports that this missense variant does not alter protein structure/function; Has not been previously published as pathogenic or benign to our knowledge

Labcorp Genetics (formerly Invitae), Labcorp
Classification: Uncertain significance. Last evaluated: 2022-12-26. Review status: criteria provided, single submitter. Criteria: Invitae Variant Classification Sherloc (09022015). Collection method: clinical testing. Allele origin: germline.
Comment: This sequence change replaces glycine, which is neutral and non-polar, with serine, which is neutral and polar, at codon 1879 of the SPTBN2 protein (p.Gly1879Ser). This variant is present in population databases (no rsID available, gnomAD 0.002%). This variant has not been reported in the literature in individuals affected with SPTBN2-related conditions. Advanced modeling of protein sequence and biophysical properties (such as structural, functional, and spatial information, amino acid conservation, physicochemical variation, residue mobility, and thermodynamic stability) performed at Invitae indicates that this missense variant is not expected to disrupt SPTBN2 protein function. In summary, the available evidence is currently insufficient to determine the role of this variant in disease. Therefore, it has been classified as a Variant of Uncertain Significance.

Ambry Genetics
Classification: Uncertain significance for Inborn genetic diseases. Last evaluated: 2022-05-31. Review status: criteria provided, single submitter. Criteria: Ambry Variant Classification Scheme 2023. Collection method: clinical testing. Allele origin: germline.